The following is an entry in ClinVar:

ClinVar aggregate classification (germline): Pathogenic (1 of 4 stars; one submission).

Conditions:
Achondrogenesis, type IA (ACG1A). Identifiers: Orphanet 932, Orphanet 93299, MedGen C0265273, MONDO:0008701, OMIM 200600.

gnomAD v4.1: 5 of 1,614,128 alleles (0.00031%); highest among the groups gnomAD compares: Non-Finnish European, 0.00042%; no homozygotes.

Submission:

Labcorp Genetics (formerly Invitae), Labcorp
Classification: Pathogenic for Achondrogenesis, type IA. Last evaluated: 2023-10-13. Review status: criteria provided, single submitter. Criteria: Invitae Variant Classification Sherloc (09022015). Collection method: clinical testing. Allele origin: germline.
Comment: This sequence change creates a premature translational stop signal (p.Gln1090*) in the TRIP11 gene. It is expected to result in an absent or disrupted protein product. Loss-of-function variants in TRIP11 are known to be pathogenic (PMID: 20089971, 23956106). This variant is not present in population databases (gnomAD no frequency). This variant has not been reported in the literature in individuals affected with TRIP11-related conditions. For these reasons, this variant has been classified as Pathogenic.

Literature cited by the submitters: PubMed 20089971; PubMed 23956106.

NM_004239.4(TRIP11):c.3268C>T (p.Gln1090Ter)

Gene: TRIP11 (thyroid hormone receptor interactor 11; minus strand). Cytogenetic location: 14q32.12.
Variant type: single nucleotide variant.
Coding change: c.3268C>T on transcript NM_004239.4 (MANE Select); coding-DNA position 3268, C replaced by T.
Protein change: p.Gln1090Ter; replaces glutamine 1090 with a stop codon.
Molecular consequence: nonsense.
Genome position (GRCh38, 1-based): chr14:92,004,708, G>A on the plus strand (C>T on the coding strand, the complement: TRIP11 is on the minus strand). VCF-style: chr14-92004708-G-A. GRCh37 (hg19) VCF-style: chr14-92471052-G-A.
Other names: c.3265C>T, p.Gln1089Ter (NM_001321851.1); short protein forms Q1090*, Q1089*.
Identifiers: ClinVar variation 2843452 (VCV002843452.3), dbSNP rs2543029378, ClinGen allele CA390653338.